The following is an entry in ClinVar:

ClinVar aggregate classification (germline): Uncertain significance (1 of 4 stars; one submission).

Allele frequency attached by ClinVar (database versions not stated): gnomAD exomes below 0.00001; gnomAD 0.00001; TOPMed 0.00001.
gnomAD v4.1: 6 of 1,579,736 alleles (0.00038%); highest among the groups gnomAD compares: Non-Finnish European, 0.00052%; no homozygotes.

Submission:

Labcorp Genetics (formerly Invitae), Labcorp
Classification: Uncertain significance. Last evaluated: 2022-02-02. Review status: criteria provided, single submitter. Criteria: Invitae Variant Classification Sherloc (09022015). Collection method: clinical testing. Allele origin: germline.
Comment: This sequence change falls in intron 7 of the PLAA gene. It does not directly change the encoded amino acid sequence of the PLAA protein. It affects a nucleotide within the consensus splice site. In summary, the available evidence is currently insufficient to determine the role of this variant in disease. Therefore, it has been classified as a Variant of Uncertain Significance. Variants that disrupt the consensus splice site are a relatively common cause of aberrant splicing (PMID: 17576681, 9536098). Algorithms developed to predict the effect of sequence changes on RNA splicing suggest that this variant may disrupt the consensus splice site. This variant has not been reported in the literature in individuals affected with PLAA-related conditions. This variant is not present in population databases (gnomAD no frequency).

Literature cited by the submitters: PubMed 17576681; PubMed 9536098.

NM_001031689.3(PLAA):c.1039+4A>G

Gene: PLAA (phospholipase A2 activating protein; minus strand). Cytogenetic location: 9p21.2.
Variant type: single nucleotide variant.
Coding change: c.1039+4A>G on transcript NM_001031689.3 (MANE Select); 4 bases into the intron after coding-DNA position 1039, A replaced by G.
Molecular consequence: intron variant.
Genome position (GRCh38, 1-based): chr9:26,923,174, T>C on the plus strand (A>G on the coding strand, the complement: PLAA is on the minus strand). VCF-style: chr9-26923174-T-C. GRCh37 (hg19) VCF-style: chr9-26923172-T-C.
Other names: c.1039+4A>G (NM_001321546.2).
Identifiers: ClinVar variation 1359244 (VCV001359244.6), dbSNP rs1446485952, ClinGen allele CA862750293.